The following is an entry in ClinVar:

ClinVar aggregate classification (germline): Uncertain significance. Review status: criteria provided, multiple submitters, no conflicts (2 of 4 stars). 3 submissions from 3 submitters: Uncertain significance (3). Last evaluated 2025-10-05.

Conditions:
Hereditary cancer-predisposing syndrome. Also called: Hereditary neoplastic syndrome; Neoplastic Syndromes, Hereditary; Tumor predisposition; Hereditary Cancer Syndrome. Identifiers: Orphanet 140162, MedGen C0027672, MeSH D009386, MONDO:0015356.
Neuroblastoma, susceptibility to, 3. Also called: ALK-Related Neuroblastic Tumor Susceptibility. Identifiers: Orphanet 635, MedGen C2751681, MONDO:0013083, OMIM 613014.

Allele frequency attached by ClinVar (database versions not stated): TOPMed 0.00001.
gnomAD v4.1: 2 of 1,577,190 alleles (0.00013%); highest among the groups gnomAD compares: Admixed American, 0.0036%; no homozygotes.

Submissions (3):

Labcorp Genetics (formerly Invitae), Labcorp
Classification: Uncertain significance for Neuroblastoma, susceptibility to, 3. Last evaluated: 2025-10-05. Review status: criteria provided, single submitter. Criteria: Invitae Variant Classification Sherloc (09022015). Collection method: clinical testing. Allele origin: germline.
Comment: This sequence change replaces threonine, which is neutral and polar, with asparagine, which is neutral and polar, at codon 25 of the ALK protein (p.Thr25Asn). This variant is not present in population databases (gnomAD no frequency). This variant has not been reported in the literature in individuals affected with ALK-related conditions. ClinVar contains an entry for this variant (Variation ID: 1023840). An algorithm developed to predict the effect of missense changes on protein structure and function (PolyPhen-2) suggests that this variant is likely to be tolerated. In summary, the available evidence is currently insufficient to determine the role of this variant in disease. Therefore, it has been classified as a Variant of Uncertain Significance.

Ambry Genetics
Classification: Uncertain significance for Hereditary cancer-predisposing syndrome. Last evaluated: 2024-08-21. Review status: criteria provided, single submitter. Criteria: Ambry Variant Classification Scheme 2023. Collection method: clinical testing. Allele origin: germline.
Comment: The p.T25N variant (also known as c.74C>A), located in coding exon 1 of the ALK gene, results from a C to A substitution at nucleotide position 74. The threonine at codon 25 is replaced by asparagine, an amino acid with similar properties. This amino acid position is conserved. In addition, this alteration is predicted to be tolerated by in silico analysis. Since supporting evidence is limited at this time, the clinical significance of this alteration remains unclear.

Baylor Genetics
Classification: Uncertain significance for Neuroblastoma, susceptibility to, 3. Last evaluated: 2023-10-30. Review status: criteria provided, single submitter. Criteria: ACMG Guidelines, 2015. Collection method: clinical testing. Allele origin: unknown.

NM_004304.5(ALK):c.74C>A (p.Thr25Asn)

Gene: ALK (ALK receptor tyrosine kinase; minus strand). Cytogenetic location: 2p23.1.
Variant type: single nucleotide variant.
Coding change: c.74C>A on transcript NM_004304.5 (MANE Select); coding-DNA position 74, C replaced by A.
Protein change: p.Thr25Asn; replaces threonine 25 with asparagine.
Molecular consequence: missense variant.
Genome position (GRCh38, 1-based): chr2:29,920,586, G>T on the plus strand (C>A on the coding strand, the complement: ALK is on the minus strand). VCF-style: chr2-29920586-G-T. GRCh37 (hg19) VCF-style: chr2-30143452-G-T.
Other names: short protein forms T25N.
Identifiers: ClinVar variation 1023840 (VCV001023840.11), dbSNP rs753812499, ClinGen allele CA346590739.